The following is an entry in ClinVar:

NC_000004.12:g.(?_3485529)_(3485668_?)del

Gene: DOK7 (docking protein 7; plus strand). Cytogenetic location: 4p16.3.
Variant type: Deletion.
Identifiers: ClinVar variation 832528 (VCV000832528.3).

ClinVar aggregate classification (germline): Pathogenic (1 of 4 stars; one submission).

Conditions:
Fetal akinesia deformation sequence 1 (FADS1). Also called: Fetal akinesia sequence; Pena-Shokeir syndrome type I. Identifiers: Orphanet 994, MedGen C1276035, MONDO:0100101, OMIM 208150, HP:0001989.
Congenital myasthenic syndrome 10. Also called: Myasthenia, limb-girdle, familial. Identifiers: Orphanet 590, MedGen C1850792, MONDO:0009690, OMIM 254300.

Submission:

Labcorp Genetics (formerly Invitae), Labcorp
Classification: Pathogenic for Congenital myasthenic syndrome 10; Fetal akinesia deformation sequence 1. Last evaluated: 2019-07-24. Review status: criteria provided, single submitter. Criteria: Invitae Variant Classification Sherloc (09022015). Collection method: clinical testing. Allele origin: germline.
Comment: For these reasons, this variant has been classified as Pathogenic. Sub-genic deletion of exon 5 has been determined to be pathogenic (PMID: 18626973, Invitae). Therefore, deletions that fully encompass that region are also expected to be pathogenic. This variant has not been reported in the literature in individuals with DOK7-related conditions. This variant is an in-frame deletion of the genomic region encompassing exon 5 of the DOK7 gene. It preserves the integrity of the reading frame.

Literature cited by the submitters: PubMed 18626973.